The following is an entry in ClinVar:

NM_003835.4(RGS9):c.1999G>A (p.Val667Ile)

Gene: RGS9 (regulator of G protein signaling 9; plus strand). Cytogenetic location: 17q24.1.
Variant type: single nucleotide variant.
Coding change: c.1999G>A on transcript NM_003835.4 (MANE Select); coding-DNA position 1999, G replaced by A.
Protein change: p.Val667Ile; replaces valine 667 with isoleucine.
Molecular consequence: missense variant.
Genome position (GRCh38, 1-based): chr17:65,227,381, G>A. VCF-style: chr17-65227381-G-A. GRCh37 (hg19) VCF-style: chr17-63223499-G-A.
Other names: c.1999G>A (NM_003835.3); c.1990G>A, p.Val664Ile (NM_001081955.3); short protein forms V664I, V667I.
Identifiers: ClinVar variation 1000724 (VCV001000724.8), dbSNP rs369068193, ClinGen allele CA8718227.

ClinVar aggregate classification (germline): Uncertain significance. Review status: criteria provided, multiple submitters, no conflicts (2 of 4 stars). 3 submissions from 3 submitters: Uncertain significance (3). Last evaluated 2025-04-20.

Conditions:
Inborn genetic diseases. Identifiers: MedGen C0950123, MeSH D030342.

Allele frequency attached by ClinVar (database versions not stated): gnomAD exomes 0.00005; ExAC 0.00007; ESP Exome Variant Server 0.00008; TOPMed 0.00009.
gnomAD v4.1: 138 of 1,614,016 alleles (0.0086%); highest among the groups gnomAD compares: Non-Finnish European, 0.011%; no homozygotes.

Submissions (3):

Ambry Genetics
Classification: Uncertain significance for Inborn genetic diseases. Last evaluated: 2025-04-20. Review status: criteria provided, single submitter. Criteria: Ambry Variant Classification Scheme 2023. Collection method: clinical testing. Allele origin: germline.

Blueprint Genetics
Classification: Uncertain significance. Last evaluated: 2023-09-20. Review status: criteria provided, single submitter. Criteria: ACMG Guidelines, 2015. Collection method: clinical testing. Allele origin: germline.

Labcorp Genetics (formerly Invitae), Labcorp
Classification: Uncertain significance. Last evaluated: 2022-08-09. Review status: criteria provided, single submitter. Criteria: Invitae Variant Classification Sherloc (09022015). Collection method: clinical testing. Allele origin: germline.
Comment: This sequence change replaces valine, which is neutral and non-polar, with isoleucine, which is neutral and non-polar, at codon 667 of the RGS9 protein (p.Val667Ile). This variant is present in population databases (rs369068193, gnomAD 0.01%). This variant has not been reported in the literature in individuals affected with RGS9-related conditions. ClinVar contains an entry for this variant (Variation ID: 1000724). Algorithms developed to predict the effect of missense changes on protein structure and function (SIFT, PolyPhen-2, Align-GVGD) all suggest that this variant is likely to be tolerated. In summary, the available evidence is currently insufficient to determine the role of this variant in disease. Therefore, it has been classified as a Variant of Uncertain Significance.